The following is an entry in ClinVar:

ClinVar aggregate classification (germline): Uncertain significance (1 of 4 stars; one submission).

Conditions:
Hereditary spastic paraplegia 62. Also called: Spastic paraplegia 62, autosomal recessive. Identifiers: Orphanet 401785, MedGen C4284588, MONDO:0014302, OMIM 615681.

Allele frequency attached by ClinVar (database versions not stated): gnomAD exomes 0.00001; TOPMed 0.00001.
gnomAD v4.1: 7 of 1,608,876 alleles (0.00044%); highest among the groups gnomAD compares: Non-Finnish European, 0.0006%; no homozygotes.

Submission:

Labcorp Genetics (formerly Invitae), Labcorp
Classification: Uncertain significance for Hereditary spastic paraplegia 62. Last evaluated: 2022-08-18. Review status: criteria provided, single submitter. Criteria: Invitae Variant Classification Sherloc (09022015). Collection method: clinical testing. Allele origin: germline.
Comment: In summary, the available evidence is currently insufficient to determine the role of this variant in disease. Therefore, it has been classified as a Variant of Uncertain Significance. Algorithms developed to predict the effect of sequence changes on RNA splicing suggest that this variant may disrupt the consensus splice site. This variant has not been reported in the literature in individuals affected with ERLIN1-related conditions. This variant is not present in population databases (gnomAD no frequency). This sequence change affects a donor splice site in intron 7 of the ERLIN1 gene. It is expected to disrupt RNA splicing. Variants that disrupt the donor or acceptor splice site typically lead to a loss of protein function (PMID: 16199547), however the current clinical and genetic evidence is not sufficient to establish whether loss-of-function variants in ERLIN1 cause disease.

Literature cited by the submitters: PubMed 16199547.

NM_006459.4(ERLIN1):c.563+1G>A

Gene: ERLIN1 (ER lipid raft associated 1; minus strand). Cytogenetic location: 10q24.31.
Variant type: single nucleotide variant.
Coding change: c.563+1G>A on transcript NM_006459.4 (MANE Select); the canonical splice donor site of the intron after coding-DNA position 563, G replaced by A.
Molecular consequence: splice donor variant.
Genome position (GRCh38, 1-based): chr10:100,167,347, C>T on the plus strand (G>A on the coding strand, the complement: ERLIN1 is on the minus strand). VCF-style: chr10-100167347-C-T. GRCh37 (hg19) VCF-style: chr10-101927104-C-T.
Other names: c.311+1G>A (NM_001347856.2); c.83+1G>A (NM_001347858.2); c.563+1G>A (NM_001100626.2, NM_001347860.2, NM_001347861.2 and 2 more transcripts).
Identifiers: ClinVar variation 2024548 (VCV002024548.3), dbSNP rs1161698243, ClinGen allele CA378153634.